The following is an entry in ClinVar:

ClinVar aggregate classification (germline): Benign/Likely benign. Review status: criteria provided, multiple submitters, no conflicts (2 of 4 stars). 4 submissions from 4 submitters: Benign (2); Likely benign (2). Last evaluated 2026-02-01.

Conditions:
Retinitis pigmentosa (RP). Identifiers: Orphanet 791, MedGen C0035334, MeSH D012174, MONDO:0019200, OMIM 268000. Inheritance: Autosomal dominant, autosomal recessive and X linked inheritance.

Allele frequency attached by ClinVar (database versions not stated): ESP Exome Variant Server 0.00085; gnomAD 0.00098 and 0.00105; 1000 Genomes Project 0.00100; 1000 Genomes Project 30x 0.00125; TOPMed 0.00126; gnomAD exomes 0.00041 and 0.00067; ExAC 0.00056.

Submissions (4):

Labcorp Genetics (formerly Invitae), Labcorp
Classification: Benign. Last evaluated: 2026-02-01. Review status: criteria provided, single submitter. Criteria: Invitae Variant Classification Sherloc (09022015). Collection method: clinical testing. Allele origin: germline.

Blueprint Genetics
Classification: Benign. Last evaluated: 2024-11-11. Review status: criteria provided, single submitter. Criteria: ACMG Guidelines, 2015. Collection method: clinical testing. Allele origin: germline.

Illumina Laboratory Services, Illumina
Classification: Likely benign for Retinitis pigmentosa. Last evaluated: 2018-01-13. Review status: criteria provided, single submitter. Criteria: ICSL Variant Classification Criteria 13 December 2019. Collection method: clinical testing. Allele origin: germline.
Comment: This variant was observed in the ICSL laboratory as part of a predisposition screen in an ostensibly healthy population. It had not been previously curated by ICSL or reported in the Human Gene Mutation Database (HGMD: prior to June 1st, 2018), and was therefore a candidate for classification through an automated scoring system. Utilizing variant allele frequency, disease prevalence and penetrance estimates, and inheritance mode, an automated score was calculated to assess if this variant is too frequent to cause the disease. Based on the score and internal cut-off values, a variant classified as likely benign is not then subjected to further curation. The score for this variant resulted in a classification of likely benign for this disease.

Breakthrough Genomics
Classification: Likely benign. Review status: criteria provided, single submitter. Criteria: ACMG Guidelines, 2015. Collection method: not provided. Allele origin: germline. Inheritance: Autosomal dominant inheritance. Affected: yes.

NM_012469.4(PRPF6):c.2743G>A (p.Val915Met)

Gene: PRPF6 (pre-mRNA processing factor 6; plus strand). Cytogenetic location: 20q13.33.
Variant type: single nucleotide variant.
Coding change: c.2743G>A on transcript NM_012469.4 (MANE Select); coding-DNA position 2743, G replaced by A.
Protein change: p.Val915Met; replaces valine 915 with methionine.
Molecular consequence: missense variant.
Genome position (GRCh38, 1-based): chr20:64,032,910, G>A. VCF-style: chr20-64032910-G-A. GRCh37 (hg19) VCF-style: chr20-62664263-G-A.
Other names: short protein forms V915M.
Identifiers: ClinVar variation 339488 (VCV000339488.16), dbSNP rs139778757, ClinGen allele CA9972593.